The following is an entry in ClinVar:

ClinVar aggregate classification (germline): Uncertain significance. Review status: criteria provided, multiple submitters, no conflicts (2 of 4 stars). 2 submissions from 2 submitters: Uncertain significance (2). Last evaluated 2025-10-09.

Conditions:
Hereditary cancer-predisposing syndrome. Also called: Hereditary neoplastic syndrome; Hereditary Cancer Syndrome; Tumor predisposition; Neoplastic Syndromes, Hereditary. Identifiers: Orphanet 140162, MedGen C0027672, MeSH D009386, MONDO:0015356.
Neuroblastoma, susceptibility to, 3. Also called: ALK-Related Neuroblastic Tumor Susceptibility. Identifiers: Orphanet 635, MedGen C2751681, MONDO:0013083, OMIM 613014.

Submissions (2):

Labcorp Genetics (formerly Invitae), Labcorp
Classification: Uncertain significance for Neuroblastoma, susceptibility to, 3. Last evaluated: 2025-10-09. Review status: criteria provided, single submitter. Criteria: Invitae Variant Classification Sherloc (09022015). Collection method: clinical testing. Allele origin: germline.
Comment: This sequence change replaces glutamic acid, which is acidic and polar, with aspartic acid, which is acidic and polar, at codon 663 of the ALK protein (p.Glu663Asp). This variant is not present in population databases (gnomAD no frequency). This variant has not been reported in the literature in individuals affected with ALK-related conditions. ClinVar contains an entry for this variant (Variation ID: 965114). An algorithm developed to predict the effect of missense changes on protein structure and function outputs the following: PolyPhen-2: "Benign". The aspartic acid amino acid residue is found in multiple mammalian species, which suggests that this missense change does not adversely affect protein function. In summary, the available evidence is currently insufficient to determine the role of this variant in disease. Therefore, it has been classified as a Variant of Uncertain Significance.

Ambry Genetics
Classification: Uncertain significance for Hereditary cancer-predisposing syndrome. Last evaluated: 2024-09-21. Review status: criteria provided, single submitter. Criteria: Ambry Variant Classification Scheme 2023. Collection method: clinical testing. Allele origin: germline.
Comment: The p.E663D variant (also known as c.1989G>T), located in coding exon 11 of the ALK gene, results from a G to T substitution at nucleotide position 1989. The glutamic acid at codon 663 is replaced by aspartic acid, an amino acid with highly similar properties. This amino acid position is conserved. In addition, this alteration is predicted to be tolerated by in silico analysis. Based on the available evidence, the clinical significance of this variant remains unclear.

NM_004304.5(ALK):c.1989G>T (p.Glu663Asp)

Gene: ALK (ALK receptor tyrosine kinase; minus strand). Cytogenetic location: 2p23.2.
Variant type: single nucleotide variant.
Coding change: c.1989G>T on transcript NM_004304.5 (MANE Select); coding-DNA position 1989, G replaced by T.
Protein change: p.Glu663Asp; replaces glutamic acid 663 with aspartic acid.
Molecular consequence: missense variant.
Genome position (GRCh38, 1-based): chr2:29,275,151, C>A on the plus strand (G>T on the coding strand, the complement: ALK is on the minus strand). VCF-style: chr2-29275151-C-A. GRCh37 (hg19) VCF-style: chr2-29498017-C-A.
Other names: short protein forms E663D.
Identifiers: ClinVar variation 965114 (VCV000965114.10), dbSNP rs760401344, ClinGen allele CA346479668.